The following is an entry in ClinVar:

ClinVar aggregate classification (germline): Uncertain significance (1 of 4 stars; one submission).

Submission:

GeneDx
Classification: Uncertain significance. Last evaluated: 2024-08-28. Review status: criteria provided, single submitter. Criteria: GeneDx Variant Classification Process June 2021. Collection method: clinical testing. Allele origin: germline. Affected: yes.
Comment: Not observed at significant frequency in large population cohorts (gnomAD); In silico analysis supports that this missense variant has a deleterious effect on protein structure/function; Has not been previously published as pathogenic or benign to our knowledge; Variants in candidate genes are classified as variants of uncertain significance in accordance with ACMG guidelines (PMID: 25741868)

NM_001367534.1(CAMK2G):c.785C>A (p.Thr262Lys)

Gene: CAMK2G (calcium/calmodulin dependent protein kinase II gamma; minus strand). Cytogenetic location: 10q22.2.
Variant type: single nucleotide variant.
Coding change: c.785C>A on transcript NM_001367534.1 (MANE Select); coding-DNA position 785, C replaced by A.
Protein change: p.Thr262Lys; replaces threonine 262 with lysine.
Molecular consequence: missense variant. On other transcripts: non-coding transcript variant (8).
Genome position (GRCh38, 1-based): chr10:73,847,259, G>T on the plus strand (C>A on the coding strand, the complement: CAMK2G is on the minus strand). VCF-style: chr10-73847259-G-T. GRCh37 (hg19) VCF-style: chr10-75607017-G-T.
Other names: c.785C>A, p.Thr262Lys (NM_001204492.2, NM_001222.4, NM_001320898.2 and 28 more transcripts); c.761C>A, p.Thr254Lys (NM_001367514.1, NM_001367525.1, NM_001367532.1); c.539C>A, p.Thr180Lys (NM_001367524.1, NM_001367539.1); c.473C>A, p.Thr158Lys (NM_001367537.1, NM_001367538.1); c.119C>A, p.Thr40Lys (NM_001367540.1); c.32C>A, p.Thr11Lys (NM_001367542.1); short protein forms T11K, T158K, T180K, T254K, T262K, T40K.
Identifiers: ClinVar variation 4526574 (VCV004526574.1).